The following is an entry in ClinVar:

NM_000492.4(CFTR):c.274G>T (p.Glu92Ter)

Gene: CFTR (CF transmembrane conductance regulator; plus strand). Cytogenetic location: 7q31.2.
Variant type: single nucleotide variant.
Coding change: c.274G>T on transcript NM_000492.4 (MANE Select); coding-DNA position 274, G replaced by T.
Protein change: p.Glu92Ter; replaces glutamic acid 92 with a stop codon.
Molecular consequence: nonsense.
Genome position (GRCh38, 1-based): chr7:117,530,899, G>T. VCF-style: chr7-117530899-G-T. GRCh37 (hg19) VCF-style: chr7-117170953-G-T.
Other names: short protein forms E92*.
Identifiers: ClinVar variation 7186 (VCV000007186.27), dbSNP rs121908751, ClinGen allele CA325576.

ClinVar aggregate classification (germline): Pathogenic. Review status: reviewed by expert panel (3 of 4 stars). 15 submissions from 14 submitters: Pathogenic (1). 14 of the submissions do not count toward it. Last evaluated 2017-03-17.

Conditions:
CFTR-related disorder (CFTR-RD). Also called: CFTR-related condition; CFTR-related disorders. Identifiers: MedGen C5924204, MONDO:7770004.
Cystic fibrosis (CF). Also called: MUCOVISCIDOSIS. Identifiers: Orphanet 586, MedGen C0010674, MONDO:0009061, OMIM 219700. Disease mechanism: loss of function.
Congenital bilateral aplasia of vas deferens from CFTR mutation (CBAVD). Identifiers: Orphanet 48, MedGen C0403814, MONDO:0010178, OMIM 277180. Disease mechanism: loss of function.
Bronchiectasis with or without elevated sweat chloride 1 (BESC1). Also called: Cystic Fibrosis-Like Syndrome. Identifiers: Orphanet 60033, MedGen C2749757, MONDO:0008887, OMIM 211400.

Allele frequency attached by ClinVar (database versions not stated): gnomAD exomes below 0.00001; TOPMed below 0.00001; ExAC 0.00001.
gnomAD v4.1: 2 of 1,599,224 alleles (0.00013%); highest among the groups gnomAD compares: Non-Finnish European, 0.00017%; no homozygotes.

Submissions (15):

CFTR2
Classification: Pathogenic for Cystic fibrosis. Last evaluated: 2017-03-17. Review status: reviewed by expert panel. Criteria: Sosnay PR et al. (Nat Genet 2013). Collection method: research. Allele origin: germline. Affected: yes. Study: CFTR2.

Natera, Inc.
Classification: Pathogenic for CFTR-related disorders. Last evaluated: 2026-01-16. Review status: criteria provided, single submitter. Criteria: Natera Variant Classification Schema (03/2026). Collection method: clinical testing. Allele origin: germline. Not counted in ClinVar's aggregate classification.
Comment: The c.274G>T variant in CFTR is a nonsense variant predicted to introduce a stop codon at amino acid 92. This variant is expected to result in nonsense mediated decay, truncation, or a dysfunctional protein product. This variant is rare in the general population with a frequency below the threshold expected for the associated phenotype(s). This variant has been observed in one or more individuals affected with the associated recessive disease, as either homozygous or compound heterozygous with a second variant (PMID: 31523618, 34782259). Given the available evidence, this variant is classified as Pathogenic.

Otogenetics
Classification: Pathogenic for Cystic fibrosis; Congenital bilateral aplasia of vas deferens from CFTR mutation. Last evaluated: 2025-11-07. Review status: criteria provided, single submitter. Criteria: ACMG Guidelines, 2015. Collection method: clinical testing. Allele origin: germline. Not counted in ClinVar's aggregate classification.
Comment: PVS1: Stop gain variant introduces premature stop codon in gene with loss of function as mechanism of disease, predicted to undergo NMD; PM2: Maximum gnomAD MAF of 0.0002% in European-Non Finnish (NFE) subpopulation (<0.28% threshold); PP3: In-silico models predict deleterious affect (MutationTaster = 1, SpliceAI = 0.58)

Women's Health and Genetics/Laboratory Corporation of America, LabCorp
Classification: Pathogenic for Cystic fibrosis. Last evaluated: 2025-03-04. Review status: criteria provided, single submitter. Criteria: LabCorp Variant Classification Summary - May 2015. Collection method: clinical testing. Allele origin: germline. Not counted in ClinVar's aggregate classification.
Comment: Variant summary: CFTR c.274G>T (p.Glu92X) results in a premature termination codon, predicted to cause a truncation of the encoded protein or absence of the protein due to nonsense mediated decay, which are commonly known mechanisms for disease. At least one publication reports experimental evidence that this variant affects mRNA splicing. The variant allele was found at a frequency of 4e-06 in 250778 control chromosomes. c.274G>T has been reported in the literature in multiple individuals affected with CFTR-Related Diseases. These data indicate that the variant is very likely to be associated with disease. The following publications have been ascertained in the context of this evaluation (PMID: 7541274, 23276700, 23974870). ClinVar contains an entry for this variant (Variation ID: 7186). Based on the evidence outlined above, the variant was classified as pathogenic.

PreventionGenetics, part of Exact Sciences
Classification: Pathogenic for CFTR-related condition. Last evaluated: 2025-02-26. Review status: criteria provided, single submitter. Criteria: ACMG Guidelines, 2015. Collection method: clinical testing. Allele origin: germline. Not counted in ClinVar's aggregate classification.
Comment: The CFTR c.274G>T variant is predicted to result in premature protein termination (p.Glu92*). However, this variant is located at the first nucleotide of exon 4 and is also predicted to alter splicing based on available splicing prediction programs (SpliceAI, Jaganathan et al. 2019. PubMed ID: 30661751). RT-PCR on lymphocytes and nasal epithelial cells showed aberrant splicing resulting in two abnormal mRNAs: one missing the entirety of exon 4 (p.Glu92_Lys163del; detected in both tissue types) and another with an insertion of 183 intronic nucleotides between exons 3 and 4, including a premature stop codon (p.Glu92Leufs*24; detected in nasal epithelial cells only) (Will et al. 1994. PubMed ID: 7512993). This variant has been reported in multiple unrelated individuals with cystic fibrosis (CF) (Will et al. 1994. PubMed ID: 7512993; Terzic et al. 2019. PubMed ID: 31523618; Petrova et al. 2020. PubMed ID: 32429104; Table S1, Raraigh et al. 2021. PubMed ID: 34782259), including at least 74 entries to date in the CFTR2 database (Sosnay et al. 2013. PubMed ID: 23974870). This variant is reported in 0.00088% of alleles in individuals of European (non-Finnish) descent in gnomAD. Taken together, this variant is interpreted as pathogenic.

Labcorp Genetics (formerly Invitae), Labcorp
Classification: Pathogenic for Cystic fibrosis. Last evaluated: 2024-01-31. Review status: criteria provided, single submitter. Criteria: Invitae Variant Classification Sherloc (09022015). Collection method: clinical testing. Allele origin: germline. Not counted in ClinVar's aggregate classification.
Comment: This sequence change creates a premature translational stop signal (p.Glu92*) in the CFTR gene. It is expected to result in an absent or disrupted protein product. Loss-of-function variants in CFTR are known to be pathogenic (PMID: 1695717, 7691345, 9725922). This variant is present in population databases (rs121908751, gnomAD 0.0009%). This premature translational stop signal has been observed in individuals with cystic fibrosis (PMID: 7512993, 23974870). ClinVar contains an entry for this variant (Variation ID: 7186). This variant disrupts the p.Arg117 amino acid residue in CFTR. Other variant(s) that disrupt this residue have been determined to be pathogenic (PMID: 7525450, 15482777, 21783433, 22658665, 23974870, 24586523). This suggests that this residue is clinically significant, and that variants that disrupt this residue are likely to be disease-causing. For these reasons, this variant has been classified as Pathogenic.

Baylor Genetics
Classification: Pathogenic for Bronchiectasis with or without elevated sweat chloride 1. Last evaluated: 2023-07-31. Review status: criteria provided, single submitter. Criteria: ACMG Guidelines, 2015. Collection method: clinical testing. Allele origin: unknown. Not counted in ClinVar's aggregate classification.

Johns Hopkins Genomics, Johns Hopkins University
Classification: Pathogenic for Cystic fibrosis. Last evaluated: 2022-11-23. Review status: criteria provided, single submitter. Criteria: ACMG Guidelines, 2015. Collection method: clinical testing. Allele origin: germline. Not counted in ClinVar's aggregate classification.

Institute of Human Genetics, University of Leipzig Medical Center
Classification: Pathogenic for Cystic fibrosis. Last evaluated: 2022-09-05. Review status: criteria provided, single submitter. Criteria: ACMG Guidelines, 2015. Collection method: curation. Allele origin: unknown. Affected: yes. Observed: 2 variant alleles. Not counted in ClinVar's aggregate classification.
Comment: This variant was identified in 2 unrelated patients with a clinically confirmed diagnosis of cystic fibrosis. The variant was classified in the context of a project re-classifying variants in the German Cystic Fibrosis Registry (Muko.e.V.). Criteria applied: PVS1, PS3_SUP, PM2_SUP, PM3_STR

Ambry Genetics
Classification: Pathogenic for Cystic fibrosis. Last evaluated: 2022-08-22. Review status: criteria provided, single submitter. Criteria: Ambry Variant Classification Scheme 2023. Collection method: clinical testing. Allele origin: germline. Not counted in ClinVar's aggregate classification.
Comment: The p.E92* pathogenic mutation (also known as c.274G>T and c.406G>T) is located in coding exon 4 of the CFTR gene. This changes the amino acid from a glutamic acid to a stop codon within coding exon 4. Since this nucleotide is in the first position of coding exon 4, splicing effects have also been observed (Will K et al. J. Clin. Invest., 1994 Apr;93:1852-9; Will K et al. Hum. Mutat., 1995;5:210-20).This variant has been reported in multiple individuals with an elevated sweat chloride level in The Clinical and Functional TRanslation of CFTR (CFTR2) database (available at CFTR2. Accessed 08/22/2022). This variant is considered to be rare based on population cohorts in the Genome Aggregation Database (gnomAD). In addition to the clinical data presented in the literature, this alteration is expected to result in loss of function by premature protein truncation or nonsense-mediated mRNA decay. As such, this alteration is interpreted as a disease-causing mutation.

Myriad Genetics, Inc.
Classification: Pathogenic for Cystic fibrosis. Last evaluated: 2019-12-09. Review status: criteria provided, single submitter. Criteria: Myriad Women's Health Autosomal Recessive and X-Linked Classification Criteria (2019). Collection method: clinical testing. Allele origin: unknown. Not counted in ClinVar's aggregate classification.
Comment: NM_000492.3(CFTR):c.274G>T(E92*) is classified as pathogenic in the context of cystic fibrosis and is associated with the classic form of disease. Sources cited for classification include the following: PMID 23974870. Classification of NM_000492.3(CFTR):c.274G>T(E92*) is based on the following criteria: The variant causes a premature termination codon that is expected to be targeted by nonsense-mediated mRNA decay and is reported in individuals with the relevant phenotype. Please note: this variant was assessed in the context of healthy population screening.

Mendelics
Classification: Pathogenic for Cystic fibrosis. Last evaluated: 2018-11-05. Review status: criteria provided, single submitter. Criteria: Mendelics Assertion Criteria 2017. Collection method: clinical testing. Allele origin: unknown. Affected: yes. Not counted in ClinVar's aggregate classification.

CFTR-France
Classification: Pathogenic for cystic fibrosis; CFTR-related disorders. Last evaluated: 2018-01-29. Review status: criteria provided, single submitter. Criteria: Claustres M et al. (Hum Mutat 2017). Collection method: curation. Allele origin: germline. Affected: yes. Not counted in ClinVar's aggregate classification.
Comment: the variant causes a phenotype but regarding our data, we can't formally attribute it to CF, CFTR-RD or both

Baylor Genetics
Classification: Pathogenic for Congenital bilateral aplasia of vas deferens from CFTR mutation; Cystic fibrosis. Review status: criteria provided, single submitter. Criteria: ACMG Guidelines, 2015. Collection method: clinical testing. Allele origin: germline. Not counted in ClinVar's aggregate classification.

OMIM
Classification: Pathogenic for CYSTIC FIBROSIS. Last evaluated: 1994-04-01. Review status: no assertion criteria provided. Collection method: literature only. Allele origin: germline. Not counted in ClinVar's aggregate classification.

Literature cited by the submitters: PubMed 31523618 (cited by Natera, Inc.); PubMed 34782259 (cited by Natera, Inc.); PubMed 7541274 (cited by Women's Health and Genetics/Laboratory Corporation of America, LabCorp and Ambry Genetics); PubMed 23276700 (cited by Women's Health and Genetics/Laboratory Corporation of America, LabCorp); PubMed 23974870 (cited by 4 submitters); PubMed 1695717 (cited by Labcorp Genetics (formerly Invitae), Labcorp); PubMed 7691345 (cited by Labcorp Genetics (formerly Invitae), Labcorp); PubMed 9725922 (cited by Labcorp Genetics (formerly Invitae), Labcorp); PubMed 7512993 (cited by 3 submitters); PubMed 7525450 (cited by Labcorp Genetics (formerly Invitae), Labcorp); PubMed 15482777 (cited by Labcorp Genetics (formerly Invitae), Labcorp); PubMed 21783433 (cited by Labcorp Genetics (formerly Invitae), Labcorp); PubMed 22658665 (cited by Labcorp Genetics (formerly Invitae), Labcorp); PubMed 24586523 (cited by Labcorp Genetics (formerly Invitae), Labcorp).